The following is an entry in ClinVar:

NM_015062.5(PPRC1):c.247C>T (p.Leu83=)

Gene: PPRC1 (PPARG related coactivator 1; plus strand). Cytogenetic location: 10q24.32.
Variant type: single nucleotide variant.
Coding change: c.247C>T on transcript NM_015062.5 (MANE Select); coding-DNA position 247, C replaced by T.
Protein change: p.Leu83=; no amino-acid change (leucine 83 retained).
Molecular consequence: synonymous variant. On other transcripts: 5 prime UTR variant (1).
Genome position (GRCh38, 1-based): chr10:102,137,943, C>T. VCF-style: chr10-102137943-C-T. GRCh37 (hg19) VCF-style: chr10-103897700-C-T.
Other names: c.247C>T, p.Leu83= (NM_001288727.2); c.-13C>T (NM_001288728.2); c.247C>T (NM_015062.4).
Identifiers: ClinVar variation 2640777 (VCV002640777.25), dbSNP rs34820347, ClinGen allele CA5660613.
Genomic context (GRCh38, chr10:102,137,943, plus strand): 5'-TTTGTCAGTCTCTCTCGGCTGGGCCCATCTCTGAGGGACAAGGACCTGGAAATGGAGGAG[C>T]TAATGCTGCAGGATGAGACACTGCTGGGGACCATGCAGAGCTACATGGATGCCTCCCTTA-3'
Protein context (NP_055877.3, residues 73-93): LRDKDLEMEE[Leu83=]MLQDETLLGT

ClinVar aggregate classification (germline): Likely benign. Review status: criteria provided, single submitter (1 of 4 stars). 2 submissions from 2 submitters: Likely benign (1). 1 of the submissions does not count toward it. Last evaluated 2023-04-01.

Conditions:
PPRC1-related disorder. Also called: PPRC1-related condition.

Allele frequency attached by ClinVar (database versions not stated): gnomAD exomes 0.00006; ExAC 0.00017; ESP Exome Variant Server 0.00069; gnomAD 0.00074; TOPMed 0.00075; 1000 Genomes Project 30x 0.00094; 1000 Genomes Project 0.00100.

Submissions (2):

CeGaT Center for Human Genetics Tuebingen
Classification: Likely benign. Last evaluated: 2023-04-01. Review status: criteria provided, single submitter. Criteria: CeGaT Center For Human Genetics Tuebingen Variant Classification Criteria Version 2. Collection method: clinical testing. Allele origin: germline. Affected: yes. Observed: 1 variant allele.
Comment: PPRC1: BP4, BP7

PreventionGenetics, part of Exact Sciences
Classification: Likely benign for PPRC1-related condition. Last evaluated: 2019-03-18. Review status: no assertion criteria provided. Collection method: clinical testing. Allele origin: germline. Not counted in ClinVar's aggregate classification.
Comment: This variant is classified as likely benign based on ACMG/AMP sequence variant interpretation guidelines (Richards et al. 2015 PMID: 25741868, with internal and published modifications).